The following is an entry in ClinVar:

NM_000051.4(ATM):c.6712G>A (p.Glu2238Lys)

Genes: ATM (ATM serine/threonine kinase; plus strand), C11orf65 (chromosome 11 open reading frame 65; minus strand). Cytogenetic location: 11q22.3.
Variant type: single nucleotide variant.
Coding change: c.6712G>A on transcript NM_000051.4 (MANE Select); coding-DNA position 6712, G replaced by A.
Protein change: p.Glu2238Lys; replaces glutamic acid 2238 with lysine.
Molecular consequence: missense variant. On other transcripts: intron variant (2).
Genome position (GRCh38, 1-based): chr11:108,325,449, G>A. VCF-style: chr11-108325449-G-A. GRCh37 (hg19) VCF-style: chr11-108196176-G-A.
Other names: c.6712G>A, p.Glu2238Lys (NM_001351834.2); c.641-16378C>T (NM_001330368.2); c.*38+9771C>T (NM_001351110.2); short protein forms E2238K.
Identifiers: ClinVar variation 1364726 (VCV001364726.8), dbSNP rs2136313885, ClinGen allele CA382555009.

ClinVar aggregate classification (germline): Uncertain significance (1 of 4 stars; one submission).

Conditions:
Ataxia-telangiectasia syndrome (AT). Also called: Ataxia-telangiectasia; LOUIS-BAR SYNDROME; Ataxia-telangiectasia, complementation group D; AT, COMPLEMENTATION GROUP C; ATAXIA-TELANGIECTASIA, COMPLEMENTATION GROUP A; ATAXIA-TELANGIECTASIA, FRESNO VARIANT. Identifiers: Orphanet 100, MedGen C0004135, MONDO:0008840, OMIM 208900.

Submission:

Labcorp Genetics (formerly Invitae), Labcorp
Classification: Uncertain significance for Ataxia-telangiectasia syndrome. Last evaluated: 2022-03-14. Review status: criteria provided, single submitter. Criteria: Invitae Variant Classification Sherloc (09022015). Collection method: clinical testing. Allele origin: germline.
Comment: In summary, the available evidence is currently insufficient to determine the role of this variant in disease. Therefore, it has been classified as a Variant of Uncertain Significance. Advanced modeling of protein sequence and biophysical properties (such as structural, functional, and spatial information, amino acid conservation, physicochemical variation, residue mobility, and thermodynamic stability) performed at Invitae indicates that this missense variant is not expected to disrupt ATM protein function. This variant has not been reported in the literature in individuals affected with ATM-related conditions. This variant is not present in population databases (gnomAD no frequency). This sequence change replaces glutamic acid, which is acidic and polar, with lysine, which is basic and polar, at codon 2238 of the ATM protein (p.Glu2238Lys).